The following is an entry in ClinVar:

NM_012254.3(SLC27A5):c.618G>A (p.Pro206=)

Gene: SLC27A5 (solute carrier family 27 member 5; minus strand). Cytogenetic location: 19q13.43.
Variant type: single nucleotide variant.
Coding change: c.618G>A on transcript NM_012254.3 (MANE Select); coding-DNA position 618, G replaced by A.
Protein change: p.Pro206=; no amino-acid change (proline 206 retained).
Molecular consequence: synonymous variant. On other transcripts: intron variant (1).
Genome position (GRCh38, 1-based): chr19:58,511,338, C>T on the plus strand (G>A on the coding strand, the complement: SLC27A5 is on the minus strand). VCF-style: chr19-58511338-C-T. GRCh37 (hg19) VCF-style: chr19-59022705-C-T.
Other names: c.618G>A (NM_012254.2); c.436+182G>A (NM_001321196.2).
Identifiers: ClinVar variation 4693300 (VCV004693300.2).

ClinVar aggregate classification (germline): Likely benign. Review status: criteria provided, multiple submitters, no conflicts (2 of 4 stars). 2 submissions from 2 submitters: Likely benign (2). Last evaluated 2026-06-03.

Conditions:
SLC27A5-related disorder. Also called: SLC27A5-related condition.

gnomAD v4.1: 8 of 1,599,188 alleles (0.0005%); highest among the groups gnomAD compares: African/African-American, 0.0013%; no homozygotes.

Submissions (2):

PreventionGenetics, part of Exact Sciences
Classification: Likely benign for SLC27A5-related condition. Last evaluated: 2026-06-03. Review status: criteria provided, single submitter. Criteria: ACMG Guidelines, 2015. Collection method: clinical testing. Allele origin: germline.
Comment: This variant is classified as likely benign based on ACMG/AMP sequence variant interpretation guidelines (Richards et al. 2015 PMID: 25741868, with internal and published modifications).

Labcorp Genetics (formerly Invitae), Labcorp
Classification: Likely benign. Last evaluated: 2025-04-02. Review status: criteria provided, single submitter. Criteria: Invitae Variant Classification Sherloc (09022015). Collection method: clinical testing. Allele origin: germline.